The following is an entry in ClinVar:

NM_000218.3(KCNQ1):c.129C>T (p.Gly43=)

Gene: KCNQ1 (potassium voltage-gated channel subfamily Q member 1; plus strand). Cytogenetic location: 11p15.5.
Variant type: single nucleotide variant.
Coding change: c.129C>T on transcript NM_000218.3 (MANE Select); coding-DNA position 129, C replaced by T.
Protein change: p.Gly43=; no amino-acid change (glycine 43 retained).
Molecular consequence: synonymous variant.
Genome position (GRCh38, 1-based): chr11:2,445,227, C>T. VCF-style: chr11-2445227-C-T. GRCh37 (hg19) VCF-style: chr11-2466457-C-T.
Identifiers: ClinVar variation 378894 (VCV000378894.10), dbSNP rs1057520400, ClinGen allele CA16605886.

ClinVar aggregate classification (germline): Likely benign. Review status: criteria provided, multiple submitters, no conflicts (2 of 4 stars). 2 submissions from 2 submitters: Likely benign (2). Last evaluated 2024-02-02.

Conditions:
Long QT syndrome (LQTS). Identifiers: MedGen C0023976, MeSH D008133, MONDO:0002442. Disease mechanism: loss of function. Inheritance: Various modes of inheritance.

Allele frequency attached by ClinVar (database versions not stated): TOPMed below 0.00001; gnomAD 0.00001; gnomAD exomes 0.00004.
gnomAD v4.1: 36 of 1,130,944 alleles (0.0032%); highest among the groups gnomAD compares: Non-Finnish European, 0.0038%; no homozygotes.

Submissions (2):

Labcorp Genetics (formerly Invitae), Labcorp
Classification: Likely benign for Long QT syndrome. Last evaluated: 2024-02-02. Review status: criteria provided, single submitter. Criteria: Invitae Variant Classification Sherloc (09022015). Collection method: clinical testing. Allele origin: germline.

GeneDx
Classification: Likely benign. Last evaluated: 2016-06-07. Review status: criteria provided, single submitter. Criteria: GeneDx Variant Classification (06012015). Collection method: clinical testing. Allele origin: germline. Affected: yes.
Comment: This variant is considered likely benign or benign based on one or more of the following criteria: it is a conservative change, it occurs at a poorly conserved position in the protein, it is predicted to be benign by multiple in silico algorithms, and/or has population frequency not consistent with disease.